The following is an entry in ClinVar:

NM_001103.4(ACTN2):c.1223A>G (p.Gln408Arg)

Gene: ACTN2 (actinin alpha 2; plus strand). Cytogenetic location: 1q43.
Variant type: single nucleotide variant.
Coding change: c.1223A>G on transcript NM_001103.4 (MANE Select); coding-DNA position 1223, A replaced by G.
Protein change: p.Gln408Arg; replaces glutamine 408 with arginine.
Molecular consequence: missense variant. On other transcripts: non-coding transcript variant (1).
Genome position (GRCh38, 1-based): chr1:236,743,011, A>G. VCF-style: chr1-236743011-A-G. GRCh37 (hg19) VCF-style: chr1-236906311-A-G.
Other names: c.1223A>G, p.Gln408Arg (NM_001278343.2); short protein forms Q408R.
Identifiers: ClinVar variation 3750381 (VCV003750381.2).
Genomic context (GRCh38, chr1:236,743,011, plus strand): 5'-GGTTGCTCAATGAGATTCGGAGACTGGAGCGCTTGGAACACCTGGCTGAGAAGTTCAGGC[A>G]GAAGGCCTCAACGCACGAGACTTGGGCTTATGGTAAGTAGACAGGAGTCAGATTGGATTT-3'
Protein context (NP_001094.1, residues 398-418): RLEHLAEKFR[Gln408Arg]KASTHETWAY

ClinVar aggregate classification (germline): Uncertain significance (1 of 4 stars; one submission).

Conditions:
Primary familial hypertrophic cardiomyopathy (HCM). Identifiers: Orphanet 99739, MedGen C0949658, MeSH D024741, MONDO:0024573. Inheritance: Various modes of inheritance.
Dilated cardiomyopathy 1AA (CMD1AA). Also called: CARDIOMYOPATHY, DILATED, 1AA, WITH OR WITHOUT LEFT VENTRICULAR NONCOMPACTION; CARDIOMYOPATHY, FAMILIAL HYPERTROPHIC, 23, WITH OR WITHOUT LEFT VENTRICULAR NONCOMPACTION; Cardiomyopathy, dilated, 1AA, with or without LVNC. Identifiers: Orphanet 154, MedGen C2677338, MONDO:0012808, OMIM 612158.

gnomAD v4.1: 1 of 1,614,242 alleles (0.000062%); highest among the groups gnomAD compares: Non-Finnish European, 0.000085%; no homozygotes.

Submission:

Labcorp Genetics (formerly Invitae), Labcorp
Classification: Uncertain significance for Primary familial hypertrophic cardiomyopathy; Dilated cardiomyopathy 1AA. Last evaluated: 2024-02-19. Review status: criteria provided, single submitter. Criteria: Invitae Variant Classification Sherloc (09022015). Collection method: clinical testing. Allele origin: germline.
Comment: This sequence change replaces glutamine, which is neutral and polar, with arginine, which is basic and polar, at codon 408 of the ACTN2 protein (p.Gln408Arg). This variant is not present in population databases (gnomAD no frequency). This variant has not been reported in the literature in individuals affected with ACTN2-related conditions. Advanced modeling of protein sequence and biophysical properties (such as structural, functional, and spatial information, amino acid conservation, physicochemical variation, residue mobility, and thermodynamic stability) performed at Invitae indicates that this missense variant is not expected to disrupt ACTN2 protein function with a negative predictive value of 80%. In summary, the available evidence is currently insufficient to determine the role of this variant in disease. Therefore, it has been classified as a Variant of Uncertain Significance.